The following is an entry in ClinVar:

ClinVar aggregate classification (germline): Pathogenic (1 of 4 stars; one submission).

Conditions:
Landau-Kleffner syndrome (FESD). Also called: APHASIA, ACQUIRED, WITH EPILEPSY; EPILEPSY, FOCAL, WITH SPEECH DISORDER AND WITH OR WITHOUT MENTAL RETARDATION. Identifiers: Orphanet 1945, Orphanet 725, Orphanet 98818, MedGen C0282512, MONDO:0009509, OMIM 245570.

Submission:

Institute of Human Genetics, University of Leipzig Medical Center
Classification: Pathogenic for Landau-Kleffner syndrome. Last evaluated: 2024-06-21. Review status: criteria provided, single submitter. Criteria: ACMG Guidelines, 2015. Collection method: clinical testing. Allele origin: paternal. Inheritance: Autosomal dominant inheritance. Affected: yes.
Comment: Criteria applied: PVS1,PM2,PS4_SUP

NM_001134407.3(GRIN2A):c.254_261del (p.His85fs)

Gene: GRIN2A (glutamate ionotropic receptor NMDA type subunit 2A; minus strand). Cytogenetic location: 16p13.2.
Variant type: Deletion.
Coding change: c.254_261del on transcript NM_001134407.3 (MANE Select); coding-DNA positions 254 to 261, 8 bases deleted (ACGTGTGC; older notation c.254_261delACGTGTGC).
Protein change: p.His85fs; shifts the reading frame from histidine 85.
Molecular consequence: frameshift variant.
Genome position (GRCh38, 1-based): chr16:10,180,151-10,180,158, GCACACGT deleted on the plus strand (ACGTGTGC on the coding strand, the reverse complement: GRIN2A is on the minus strand); deleting any 8 consecutive bases within chr16:10,180,151-10,180,160 gives the same sequence; the c. name uses the placement nearest the transcript's 3' end. VCF-style (leftmost placement, unchanged base first): chr16-10180150-CGCACACGT-C. GRCh37 (hg19) VCF-style: chr16-10274007-CGCACACGT-C.
Other names: c.254_261del, p.His85fs (NM_000833.5, NM_001134408.2); short protein forms H85fs.
Identifiers: ClinVar variation 2500352 (VCV002500352.3), dbSNP rs2544030726, ClinGen allele CA2580090530.
Genomic context (GRCh38, chr16:10,180,150, plus strand): 5'-CCTCCTGGTCCGTGTCGTCCCCAAACACGAGGCCGTGGATGCGTGCCCCGGACATGAGGT[CGCACACGT>C]GCGTGATGAGGCTCTTGGGGTCGGTGCGGTTCATCAGCAGAGCTACCACGTTCACGTCCA-3'